The following is an entry in ClinVar:

ClinVar aggregate classification (germline): Uncertain significance (1 of 4 stars; one submission).

Submission:

Labcorp Genetics (formerly Invitae), Labcorp
Classification: Uncertain significance. Last evaluated: 2023-12-11. Review status: criteria provided, single submitter. Criteria: Invitae Variant Classification Sherloc (09022015). Collection method: clinical testing. Allele origin: germline.
Comment: This sequence change replaces serine, which is neutral and polar, with tyrosine, which is neutral and polar, at codon 817 of the POLR3A protein (p.Ser817Tyr). This variant is not present in population databases (gnomAD no frequency). This variant has not been reported in the literature in individuals affected with POLR3A-related conditions. ClinVar contains an entry for this variant (Variation ID: 2014854). Advanced modeling of protein sequence and biophysical properties (such as structural, functional, and spatial information, amino acid conservation, physicochemical variation, residue mobility, and thermodynamic stability) has been performed at Invitae for this missense variant, however the output from this modeling did not meet the statistical confidence thresholds required to predict the impact of this variant on POLR3A protein function. Algorithms developed to predict the effect of sequence changes on RNA splicing suggest that this variant may disrupt the consensus splice site. In summary, the available evidence is currently insufficient to determine the role of this variant in disease. Therefore, it has been classified as a Variant of Uncertain Significance.

NM_007055.4(POLR3A):c.2450C>A (p.Ser817Tyr)

Gene: POLR3A (RNA polymerase III subunit A; minus strand). Cytogenetic location: 10q22.3.
Variant type: single nucleotide variant.
Coding change: c.2450C>A on transcript NM_007055.4 (MANE Select); coding-DNA position 2450, C replaced by A.
Protein change: p.Ser817Tyr; replaces serine 817 with tyrosine.
Molecular consequence: missense variant.
Genome position (GRCh38, 1-based): chr10:78,001,004, G>T on the plus strand (C>A on the coding strand, the complement: POLR3A is on the minus strand). VCF-style: chr10-78001004-G-T. GRCh37 (hg19) VCF-style: chr10-79760762-G-T.
Other names: short protein forms S817Y.
Identifiers: ClinVar variation 2014854 (VCV002014854.4), dbSNP rs2493207810, ClinGen allele CA377336243.